The following is an entry in ClinVar:

ClinVar aggregate classification (germline): Uncertain significance. Review status: criteria provided, multiple submitters, no conflicts (2 of 4 stars). 2 submissions from 2 submitters: Uncertain significance (2). Last evaluated 2025-12-02.

Conditions:
Inborn genetic diseases. Identifiers: MedGen C0950123, MeSH D030342.

Allele frequency attached by ClinVar (database versions not stated): gnomAD 0.00001; gnomAD exomes 0.00001.
gnomAD v4.1: 13 of 1,613,930 alleles (0.00081%); highest among the groups gnomAD compares: Middle Eastern, 0.033%; no homozygotes.

Submissions (2):

Ambry Genetics
Classification: Uncertain significance for Inborn genetic diseases. Last evaluated: 2025-12-02. Review status: criteria provided, single submitter. Criteria: Ambry Variant Classification Scheme 2023. Collection method: clinical testing. Allele origin: germline.

Labcorp Genetics (formerly Invitae), Labcorp
Classification: Uncertain significance. Last evaluated: 2022-08-21. Review status: criteria provided, single submitter. Criteria: Invitae Variant Classification Sherloc (09022015). Collection method: clinical testing. Allele origin: germline.
Comment: This sequence change replaces aspartic acid, which is acidic and polar, with glycine, which is neutral and non-polar, at codon 171 of the HPSE2 protein (p.Asp171Gly). In summary, the available evidence is currently insufficient to determine the role of this variant in disease. Therefore, it has been classified as a Variant of Uncertain Significance. Algorithms developed to predict the effect of missense changes on protein structure and function are either unavailable or do not agree on the potential impact of this missense change (SIFT: "Deleterious"; PolyPhen-2: "Probably Damaging"; Align-GVGD: "Class C0"). This variant has not been reported in the literature in individuals affected with HPSE2-related conditions. This variant is present in population databases (rs779927962, gnomAD 0.002%).

NM_021828.5(HPSE2):c.512A>G (p.Asp171Gly)

Gene: HPSE2 (heparanase 2 (inactive); minus strand). Cytogenetic location: 10q24.2.
Variant type: single nucleotide variant.
Coding change: c.512A>G on transcript NM_021828.5 (MANE Select); coding-DNA position 512, A replaced by G.
Protein change: p.Asp171Gly; replaces aspartic acid 171 with glycine.
Molecular consequence: missense variant. On other transcripts: intron variant (1).
Genome position (GRCh38, 1-based): chr10:99,144,336, T>C on the plus strand (A>G on the coding strand, the complement: HPSE2 is on the minus strand). VCF-style: chr10-99144336-T-C. GRCh37 (hg19) VCF-style: chr10-100904093-T-C.
Other names: c.512A>G, p.Asp171Gly (NM_001166244.1, NM_001166246.1); c.448+88012A>G (NM_001166245.1); short protein forms D171G.
Identifiers: ClinVar variation 1916613 (VCV001916613.7), dbSNP rs779927962, ClinGen allele CA5639977.
Genomic context (GRCh38, chr10:99,144,336, plus strand): 5'-TCCTTTAGAAGAACCAGATGCATCTGAGCTGCCTTCTCCCTTTGGAGCTCCAGCATAACA[T>C]CAGGGTGCTGGGCAATCTTGCAGCCTTTCTGTTTATCTAAGGCAACATCACTTCGAACAA-3'
Protein context (NP_068600.4, residues 161-181): QKGCKIAQHP[Asp171Gly]VMLELQREKA